The following is an entry in ClinVar:

NM_173354.5(SIK1):c.47A>G (p.Gln16Arg)

Gene: SIK1 (salt inducible kinase 1; minus strand). Cytogenetic location: 21q22.3.
Variant type: single nucleotide variant.
Coding change: c.47A>G on transcript NM_173354.5 (MANE Select); coding-DNA position 47, A replaced by G.
Protein change: p.Gln16Arg; replaces glutamine 16 with arginine.
Molecular consequence: missense variant.
Genome position (GRCh38, 1-based): chr21:43,426,132, T>C on the plus strand (A>G on the coding strand, the complement: SIK1 is on the minus strand). VCF-style: chr21-43426132-T-C. GRCh37 (hg19) VCF-style: chr21-44846012-T-C.
Other names: short protein forms Q16R.
Identifiers: ClinVar variation 1972334 (VCV001972334.5), dbSNP rs2516969204, ClinGen allele CA410611127.

ClinVar aggregate classification (germline): Uncertain significance (1 of 4 stars; one submission).

Conditions:
Developmental and epileptic encephalopathy, 30 (DEE30). Also called: Epileptic encephalopathy, early infantile, 30. Identifiers: MedGen C4225360, MONDO:0014595, OMIM 616341.

Submission:

Labcorp Genetics (formerly Invitae), Labcorp
Classification: Uncertain significance for Developmental and epileptic encephalopathy, 30. Last evaluated: 2022-09-26. Review status: criteria provided, single submitter. Criteria: Invitae Variant Classification Sherloc (09022015). Collection method: clinical testing. Allele origin: germline.
Comment: In summary, the available evidence is currently insufficient to determine the role of this variant in disease. Therefore, it has been classified as a Variant of Uncertain Significance. Advanced modeling of protein sequence and biophysical properties (such as structural, functional, and spatial information, amino acid conservation, physicochemical variation, residue mobility, and thermodynamic stability) performed at Invitae indicates that this missense variant is not expected to disrupt SIK1 protein function. This variant has not been reported in the literature in individuals affected with SIK1-related conditions. This variant is not present in population databases (gnomAD no frequency). This sequence change replaces glutamine, which is neutral and polar, with arginine, which is basic and polar, at codon 16 of the SIK1 protein (p.Gln16Arg).